The following is an entry in ClinVar:

ClinVar aggregate classification (germline): Uncertain significance. Review status: criteria provided, multiple submitters, no conflicts (2 of 4 stars). 2 submissions from 2 submitters: Uncertain significance (2). Last evaluated 2025-01-23.

Conditions:
Cardiovascular phenotype. Identifiers: MedGen CN230736.

Submissions (2):

Mayo Clinic Laboratories, Mayo Clinic
Classification: Uncertain significance. Last evaluated: 2025-01-23. Review status: criteria provided, single submitter. Criteria: ACMG Guidelines, 2015. Collection method: clinical testing. Allele origin: germline. Observed: 1 variant allele.
Comment: BP4, PM2_supporting

Ambry Genetics
Classification: Uncertain significance for Cardiovascular phenotype. Last evaluated: 2024-02-10. Review status: criteria provided, single submitter. Criteria: Ambry Variant Classification Scheme 2023. Collection method: clinical testing. Allele origin: germline.
Comment: The p.L2910V variant (also known as c.8728C>G), located in coding exon 24 of the TNXB gene, results from a C to G substitution at nucleotide position 8728. The leucine at codon 2910 is replaced by valine, an amino acid with highly similar properties. This amino acid position is conserved. In addition, this alteration is predicted to be tolerated by in silico analysis. Based on the available evidence, the clinical significance of this alteration remains unclear.

NM_001365276.2(TNXB):c.8734C>G (p.Leu2912Val)

Gene: TNXB (tenascin XB; minus strand). Cytogenetic location: 6p21.33.
Variant type: single nucleotide variant.
Coding change: c.8734C>G on transcript NM_001365276.2 (MANE Select); coding-DNA position 8734, C replaced by G.
Protein change: p.Leu2912Val; replaces leucine 2912 with valine.
Molecular consequence: missense variant.
Genome position (GRCh38, 1-based): chr6:32,053,445, G>C on the plus strand (C>G on the coding strand, the complement: TNXB is on the minus strand). VCF-style: chr6-32053445-G-C. GRCh37 (hg19) VCF-style: chr6-32021222-G-C.
Other names: p.Leu2910Val; c.9475C>G, p.Leu3159Val (NM_001428335.1); c.8728C>G, p.Leu2910Val (NM_019105.8); short protein forms L2910V, L2912V, L3159V.
Identifiers: ClinVar variation 3227344 (VCV003227344.2), dbSNP rs2483452165, ClinGen allele CA363546263.
Genomic context (GRCh38, chr6:32,053,445, plus strand): 5'-CACCTGTCACCCCAATGACAGAGATGGGGCCCACGCGCTGGCCACCGTGGAAGCCGTACA[G>C]GTTCATCTTGTACTTGTGGTCTGGCTCCAGGCCTGAGATGGTGACCCCGTCCTCGTGCCC-3'
Protein context (NP_001352205.1, residues 2902-2922): LEPDHKYKMN[Leu2912Val]YGFHGGQRVG